The following is an entry in ClinVar:

ClinVar aggregate classification (germline): Likely benign. Review status: criteria provided, multiple submitters, no conflicts (2 of 4 stars). 2 submissions from 2 submitters: Likely benign (2). Last evaluated 2025-11-05.

Conditions:
Oligodontia-cancer predisposition syndrome. Also called: TOOTH AGENESIS-COLORECTAL CANCER SYNDROME. Identifiers: Orphanet 300576, MedGen C1837750, MONDO:0012075, OMIM 608615. Disease mechanism: loss of function.

Allele frequency attached by ClinVar (database versions not stated): gnomAD exomes below 0.00001.
gnomAD v4.1: 2 of 1,533,960 alleles (0.00013%); highest among the groups gnomAD compares: South Asian, 0.0013%; no homozygotes.

Submissions (2):

Labcorp Genetics (formerly Invitae), Labcorp
Classification: Likely benign for Oligodontia-cancer predisposition syndrome. Last evaluated: 2025-11-05. Review status: criteria provided, single submitter. Criteria: Invitae Variant Classification Sherloc (09022015). Collection method: clinical testing. Allele origin: germline.

Myriad Genetics, Inc.
Classification: Likely benign for Oligodontia-cancer predisposition syndrome. Last evaluated: 2024-07-01. Review status: criteria provided, single submitter. Criteria: Myriad Autosomal Dominant, Autosomal Recessive and X-Linked Classification Criteria (2023). Collection method: clinical testing. Allele origin: unknown.
Comment: This variant is considered likely benign. This variant is intronic and is not expected to impact mRNA splicing.

NM_004655.4(AXIN2):c.1201-15C>T

Gene: AXIN2 (axin 2; minus strand). Cytogenetic location: 17q24.1.
Variant type: single nucleotide variant.
Coding change: c.1201-15C>T on transcript NM_004655.4 (MANE Select); 15 bases into the intron before coding-DNA position 1201, C replaced by T.
Molecular consequence: intron variant.
Genome position (GRCh38, 1-based): chr17:65,537,850, G>A on the plus strand (C>T on the coding strand, the complement: AXIN2 is on the minus strand). VCF-style: chr17-65537850-G-A. GRCh37 (hg19) VCF-style: chr17-63533968-G-A.
Other names: c.1201-15C>T (NM_001363813.1).
Identifiers: ClinVar variation 2071388 (VCV002071388.5), dbSNP rs2509418841, ClinGen allele CA2580095029.